The following is an entry in ClinVar:

ClinVar aggregate classification (germline): Uncertain significance (1 of 4 stars; one submission).

Conditions:
Inborn genetic diseases. Identifiers: MedGen C0950123, MeSH D030342.

gnomAD v4.1: 2 of 1,613,624 alleles (0.00012%); highest among the groups gnomAD compares: African/African-American, 0.0013%; no homozygotes.

Submission:

Ambry Genetics
Classification: Uncertain significance for Inborn genetic diseases. Last evaluated: 2026-06-06. Review status: criteria provided, single submitter. Criteria: Ambry Variant Classification Scheme 2023. Collection method: clinical testing. Allele origin: germline.
Comment: The p.M210R variant (also known as c.629T>G), located in coding exon 6 of the CEP57 gene, results from a T to G substitution at nucleotide position 629. The methionine at codon 210 is replaced by arginine, an amino acid with similar properties. This amino acid position is conserved. In addition, the in silico prediction for this alteration is inconclusive. Based on the available evidence, the clinical significance of this variant remains unclear.

NM_014679.5(CEP57):c.629T>G (p.Met210Arg)

Gene: CEP57 (centrosomal protein 57; plus strand). Cytogenetic location: 11q21.
Variant type: single nucleotide variant.
Coding change: c.629T>G on transcript NM_014679.5 (MANE Select); coding-DNA position 629, T replaced by G.
Protein change: p.Met210Arg; replaces methionine 210 with arginine.
Molecular consequence: missense variant.
Genome position (GRCh38, 1-based): chr11:95,818,834, T>G. VCF-style: chr11-95818834-T-G. GRCh37 (hg19) VCF-style: chr11-95551998-T-G.
Other names: c.431T>G, p.Met144Arg (NM_001440877.1, NM_001440878.1); c.512T>G, p.Met171Arg (NM_001440879.1, NM_001440882.1, NM_001440872.1 and 1 more transcripts); c.368T>G, p.Met123Arg (NM_001440880.1); c.332T>G, p.Met111Arg (NM_001440881.1); c.602T>G, p.Met201Arg (NM_001243776.2); c.629T>G, p.Met210Arg (NM_001243777.2, NM_001440871.1, NM_001440874.1); c.548T>G, p.Met183Arg (NM_001363604.2, NM_001440869.1, NM_001440870.1 and 1 more transcripts); c.449T>G, p.Met150Arg (NM_001440873.1); short protein forms M111R, M123R, M144R, M150R, M171R, M183R, M201R, M210R.
Identifiers: ClinVar variation 4868784 (VCV004868784.1).